The following is an entry in ClinVar:

ClinVar aggregate classification (germline): Uncertain significance (1 of 4 stars; one submission).

Submission:

Labcorp Genetics (formerly Invitae), Labcorp
Classification: Uncertain significance. Last evaluated: 2024-07-23. Review status: criteria provided, single submitter. Criteria: Invitae Variant Classification Sherloc (09022015). Collection method: clinical testing. Allele origin: germline.
Comment: This sequence change replaces phenylalanine, which is neutral and non-polar, with leucine, which is neutral and non-polar, at codon 280 of the MSH3 protein (p.Phe280Leu). This variant is not present in population databases (gnomAD no frequency). This variant has not been reported in the literature in individuals affected with MSH3-related conditions. An algorithm developed to predict the effect of missense changes on protein structure and function (PolyPhen-2) suggests that this variant is likely to be disruptive. In summary, the available evidence is currently insufficient to determine the role of this variant in disease. Therefore, it has been classified as a Variant of Uncertain Significance.

NM_002439.5(MSH3):c.838T>C (p.Phe280Leu)

Gene: MSH3 (mutS homolog 3; plus strand). Cytogenetic location: 5q14.1.
Variant type: single nucleotide variant.
Coding change: c.838T>C on transcript NM_002439.5 (MANE Select); coding-DNA position 838, T replaced by C.
Protein change: p.Phe280Leu; replaces phenylalanine 280 with leucine.
Molecular consequence: missense variant.
Genome position (GRCh38, 1-based): chr5:80,672,289, T>C. VCF-style: chr5-80672289-T-C. GRCh37 (hg19) VCF-style: chr5-79968108-T-C.
Other names: short protein forms F280L.
Identifiers: ClinVar variation 3660302 (VCV003660302.2).
Genomic context (GRCh38, chr5:80,672,289, plus strand): 5'-TTTTTCATTTTTTAGATTGCAGCCCGAGAGCTCAATATTTATTGCCATTTAGATCACAAC[T>C]TTATGACAGCAAGTATACCTACTCACAGACTGTTTGTTCATGTACGCCGCCTGGTGGCAA-3'
Protein context (NP_002430.3, residues 270-290): LNIYCHLDHN[Phe280Leu]MTASIPTHRL